The following is an entry in ClinVar:

ClinVar aggregate classification (germline): Uncertain significance. Review status: criteria provided, multiple submitters, no conflicts (2 of 4 stars). 3 submissions from 3 submitters: Uncertain significance (3). Last evaluated 2025-08-11.

Conditions:
Hereditary cancer-predisposing syndrome. Also called: Neoplastic Syndromes, Hereditary; Tumor predisposition; Hereditary neoplastic syndrome; Hereditary Cancer Syndrome. Identifiers: Orphanet 140162, MedGen C0027672, MeSH D009386, MONDO:0015356.

Submissions (3):

Labcorp Genetics (formerly Invitae), Labcorp
Classification: Uncertain significance. Last evaluated: 2025-08-11. Review status: criteria provided, single submitter. Criteria: Invitae Variant Classification Sherloc (09022015). Collection method: clinical testing. Allele origin: germline.
Comment: This sequence change replaces tyrosine, which is neutral and polar, with histidine, which is basic and polar, at codon 143 of the HOXB13 protein (p.Tyr143His). This variant is not present in population databases (gnomAD no frequency). This variant has not been reported in the literature in individuals affected with HOXB13-related conditions. ClinVar contains an entry for this variant (Variation ID: 824753). Invitae Evidence Modeling of protein sequence and biophysical properties (such as structural, functional, and spatial information, amino acid conservation, physicochemical variation, residue mobility, and thermodynamic stability) indicates that this missense variant is not expected to disrupt HOXB13 protein function with a negative predictive value of 80%. In summary, the available evidence is currently insufficient to determine the role of this variant in disease. Therefore, it has been classified as a Variant of Uncertain Significance.

Ambry Genetics
Classification: Uncertain significance for Hereditary cancer-predisposing syndrome. Last evaluated: 2025-05-27. Review status: criteria provided, single submitter. Criteria: Ambry Variant Classification Scheme 2023. Collection method: clinical testing. Allele origin: germline.
Comment: The p.Y143H variant (also known as c.427T>C), located in coding exon 1 of the HOXB13 gene, results from a T to C substitution at nucleotide position 427. The tyrosine at codon 143 is replaced by histidine, an amino acid with similar properties. This amino acid position is highly conserved in available vertebrate species. In addition, this alteration is predicted to be deleterious by in silico analysis. Since supporting evidence is limited at this time, the clinical significance of this alteration remains unclear.

Quest Diagnostics Nichols Institute San Juan Capistrano
Classification: Uncertain significance. Last evaluated: 2024-09-18. Review status: criteria provided, single submitter. Criteria: Quest Diagnostics criteria. Collection method: clinical testing. Allele origin: unknown.
Comment: The HOXB13 c.427T>C (p.Tyr143His) variant has not been reported in individuals with HOXB13-related conditions in the published literature. It also has not been reported in large, multi-ethnic general populations (Genome Aggregation Database). Analysis of this variant using bioinformatics tools for the prediction of the effect of amino acid changes on protein structure and function yielded conflicting predictions that this variant is benign or damaging. Based on the available information, we are unable to determine the clinical significance of this variant.

NM_006361.6(HOXB13):c.427T>C (p.Tyr143His)

Gene: HOXB13 (homeobox B13; minus strand). Cytogenetic location: 17q21.32.
Variant type: single nucleotide variant.
Coding change: c.427T>C on transcript NM_006361.6 (MANE Select); coding-DNA position 427, T replaced by C.
Protein change: p.Tyr143His; replaces tyrosine 143 with histidine.
Molecular consequence: missense variant.
Genome position (GRCh38, 1-based): chr17:48,728,167, A>G on the plus strand (T>C on the coding strand, the complement: HOXB13 is on the minus strand). VCF-style: chr17-48728167-A-G. GRCh37 (hg19) VCF-style: chr17-46805529-A-G.
Other names: short protein forms Y143H.
Identifiers: ClinVar variation 824753 (VCV000824753.14), dbSNP rs1597934233, ClinGen allele CA400107476.